The following is an entry in ClinVar:

NM_172362.3(KCNH1):c.2337C>G (p.Asn779Lys)

Gene: KCNH1 (potassium voltage-gated channel subfamily H member 1; minus strand). Cytogenetic location: 1q32.2.
Variant type: single nucleotide variant.
Coding change: c.2337C>G on transcript NM_172362.3 (MANE Select); coding-DNA position 2337, C replaced by G.
Protein change: p.Asn779Lys; replaces asparagine 779 with lysine.
Molecular consequence: missense variant.
Genome position (GRCh38, 1-based): chr1:210,683,914, G>C on the plus strand (C>G on the coding strand, the complement: KCNH1 is on the minus strand). VCF-style: chr1-210683914-G-C. GRCh37 (hg19) VCF-style: chr1-210857256-G-C.
Other names: c.2256C>G, p.Asn752Lys (NM_002238.4); short protein forms N752K, N779K.
Identifiers: ClinVar variation 2639882 (VCV002639882.24), dbSNP rs2546370787, ClinGen allele CA344871379.
Genomic context (GRCh38, chr1:210,683,914, plus strand): 5'-GGATACGGGCGTGGCAGGACTCTCACGCACGGTGACCACGCTGGCCTTCACGAGGCTGTG[G>C]TTGGCGGAGGCATGCTCTGTAAGGACATTGCCCTTCTCCACATCTAGGTCATCCAGGTCC-3'
Protein context (NP_758872.1, residues 769-789): GNVLTEHASA[Asn779Lys]HSLVKASVVT

ClinVar aggregate classification (germline): Uncertain significance (1 of 4 stars; one submission).

gnomAD v4.1: 1 of 1,613,078 alleles (0.000062%); highest among the groups gnomAD compares: Non-Finnish European, 0.000085%; no homozygotes.

Submission:

CeGaT Center for Human Genetics Tuebingen
Classification: Uncertain significance. Last evaluated: 2022-11-01. Review status: criteria provided, single submitter. Criteria: CeGaT Center For Human Genetics Tuebingen Variant Classification Criteria Version 2. Collection method: clinical testing. Allele origin: germline. Affected: yes. Observed: 1 variant allele.
Comment: KCNH1: PM2, PP2